The following is an entry in ClinVar:

NM_000179.3(MSH6):c.356T>A (p.Phe119Tyr)

Gene: MSH6 (mutS homolog 6; plus strand). Cytogenetic location: 2p16.3.
Variant type: single nucleotide variant.
Coding change: c.356T>A on transcript NM_000179.3 (MANE Select); coding-DNA position 356, T replaced by A.
Protein change: p.Phe119Tyr; replaces phenylalanine 119 with tyrosine.
Molecular consequence: missense variant. On other transcripts: 5 prime UTR variant (2), intron variant (1).
Genome position (GRCh38, 1-based): chr2:47,791,022, T>A. VCF-style: chr2-47791022-T-A. GRCh37 (hg19) VCF-style: chr2-48018161-T-A.
Other names: c.-381T>A (NM_001281493.2, NM_001406811.1, NM_001406823.1 and 1 more transcripts); c.-547T>A (NM_001281494.2); c.452T>A, p.Phe151Tyr (NM_001406795.1, NM_001406802.1); c.356T>A, p.Phe119Tyr (NM_001406796.1, NM_001406798.1, NM_001406800.1 and 6 more transcripts); c.59T>A, p.Phe20Tyr (NM_001406797.1, NM_001406801.1, NM_001406805.1 and 10 more transcripts); c.278T>A, p.Phe93Tyr (NM_001406804.1); c.-573T>A (NM_001406807.1); c.-639T>A (NM_001406814.1); and 2 more; short protein forms F151Y, F93Y, F20Y, F63Y, F119Y.
Identifiers: ClinVar variation 1732782 (VCV001732782.2), dbSNP rs1060502893, ClinGen allele CA346737000.

ClinVar aggregate classification (germline): Uncertain significance (1 of 4 stars; one submission).

Conditions:
Hereditary cancer-predisposing syndrome. Also called: Neoplastic Syndromes, Hereditary; Tumor predisposition; Hereditary Cancer Syndrome; Hereditary neoplastic syndrome. Identifiers: Orphanet 140162, MedGen C0027672, MeSH D009386, MONDO:0015356.

Submission:

Ambry Genetics
Classification: Uncertain significance for Hereditary cancer-predisposing syndrome. Last evaluated: 2019-08-29. Review status: criteria provided, single submitter. Criteria: Ambry Variant Classification Scheme 2023. Collection method: clinical testing. Allele origin: germline.
Comment: The p.F119Y variant (also known as c.356T>A), located in coding exon 2 of the MSH6 gene, results from a T to A substitution at nucleotide position 356. The phenylalanine at codon 119 is replaced by tyrosine, an amino acid with highly similar properties. This amino acid position is poorly conserved in available vertebrate species. In addition, this alteration is predicted to be tolerated by in silico analysis. Since supporting evidence is limited at this time, the clinical significance of this alteration remains unclear.